The following is an entry in ClinVar:

NM_000336.3(SCNN1B):c.*20G>A

Gene: SCNN1B (sodium channel epithelial 1 subunit beta; plus strand). Cytogenetic location: 16p12.2.
Variant type: single nucleotide variant.
Coding change: c.*20G>A on transcript NM_000336.3 (MANE Select); 20 bases downstream of the stop codon, G replaced by A.
Molecular consequence: 3 prime UTR variant.
Genome position (GRCh38, 1-based): chr16:23,380,821, G>A. VCF-style: chr16-23380821-G-A. GRCh37 (hg19) VCF-style: chr16-23392142-G-A.
Identifiers: ClinVar variation 318448 (VCV000318448.5), dbSNP rs755277136, ClinGen allele CA7960686.

ClinVar aggregate classification (germline): Likely benign. Review status: criteria provided, single submitter (1 of 4 stars). 3 submissions from 1 submitter: Likely benign (3). Last evaluated 2017-04-27.

Conditions:
Pseudohypoaldosteronism, type IB1, autosomal recessive. Also called: Pseudohypoaldosteronism, Type I, Autosomal Recessive; PHA I, AUTOSOMAL RECESSIVE; Pseudohypoaldosteronism, Type I, Recessive; Autosomal recessive pseudohypoaldosteronism type 1. Identifiers: Orphanet 171876, Orphanet 756, MedGen C5774176, MONDO:0009917, OMIM 264350.
Liddle syndrome 1 (LIDLS1). Also called: PSEUDOALDOSTERONISM. Identifiers: Orphanet 526, MedGen CN031472, MONDO:0020607, OMIM 177200.
Bronchiectasis with or without elevated sweat chloride 1 (BESC1). Also called: Cystic Fibrosis-Like Syndrome. Identifiers: Orphanet 60033, MedGen C2749757, MONDO:0008887, OMIM 211400.

Allele frequency attached by ClinVar (database versions not stated): gnomAD exomes 0.00004; ExAC 0.00005; gnomAD 0.00010.

Submissions (3):

Illumina Laboratory Services, Illumina
Classification: Likely benign for Liddle syndrome 1. Last evaluated: 2017-04-27. Review status: criteria provided, single submitter. Criteria: ICSL Variant Classification Criteria 13 December 2019. Collection method: clinical testing. Allele origin: germline.
Comment: This variant was observed as part of a predisposition screen in an ostensibly healthy population. A literature search was performed for the gene, cDNA change, and amino acid change (where applicable). No publications were found based on this search. Allele frequency data from public databases allowed determination this variant is unlikely to cause disease. Therefore, this variant is classified as likely benign.

Illumina Laboratory Services, Illumina
Classification: Likely benign for Pseudohypoaldosteronism, type IB1, autosomal recessive. Last evaluated: 2017-04-27. Review status: criteria provided, single submitter. Criteria: ICSL Variant Classification Criteria 13 December 2019. Collection method: clinical testing. Allele origin: germline.
Comment: the same text as in the submission from Illumina Laboratory Services, Illumina above.

Illumina Laboratory Services, Illumina
Classification: Likely benign for Bronchiectasis with or without elevated sweat chloride 1. Last evaluated: 2017-04-27. Review status: criteria provided, single submitter. Criteria: ICSL Variant Classification Criteria 13 December 2019. Collection method: clinical testing. Allele origin: germline.
Comment: the same text as in the submission from Illumina Laboratory Services, Illumina above.